The following is an entry in ClinVar:

ClinVar aggregate classification (germline): Uncertain significance (1 of 4 stars; one submission).

Allele frequency attached by ClinVar (database versions not stated): TOPMed below 0.00001.

Submission:

Ambry Genetics
Classification: Uncertain significance. Last evaluated: 2023-11-22. Review status: criteria provided, single submitter. Criteria: Ambry Variant Classification Scheme 2023. Collection method: clinical testing. Allele origin: germline.
Comment: The p.E525D variant (also known as c.1575A>C), located in coding exon 10 of the POLQ gene, results from an A to C substitution at nucleotide position 1575. The glutamic acid at codon 525 is replaced by aspartic acid, an amino acid with highly similar properties. This amino acid position is conserved. In addition, this alteration is predicted to be tolerated by in silico analysis. Since supporting evidence is limited at this time, the clinical significance of this alteration remains unclear.

NM_199420.4(POLQ):c.1575A>C (p.Glu525Asp)

Gene: POLQ (DNA polymerase theta; minus strand). Cytogenetic location: 3q13.33.
Variant type: single nucleotide variant.
Coding change: c.1575A>C on transcript NM_199420.4 (MANE Select); coding-DNA position 1575, A replaced by C.
Protein change: p.Glu525Asp; replaces glutamic acid 525 with aspartic acid.
Molecular consequence: missense variant.
Genome position (GRCh38, 1-based): chr3:121,511,923, T>G on the plus strand (A>C on the coding strand, the complement: POLQ is on the minus strand). VCF-style: chr3-121511923-T-G. GRCh37 (hg19) VCF-style: chr3-121230770-T-G.
Other names: short protein forms E525D.
Identifiers: ClinVar variation 3229843 (VCV003229843.1), dbSNP rs1218952691, ClinGen allele CA354116058.